The following is an entry in ClinVar:

ClinVar aggregate classification (germline): Uncertain significance (1 of 4 stars; one submission).

Submission:

Labcorp Genetics (formerly Invitae), Labcorp
Classification: Uncertain significance. Last evaluated: 2024-02-26. Review status: criteria provided, single submitter. Criteria: Invitae Variant Classification Sherloc (09022015). Collection method: clinical testing. Allele origin: germline.
Comment: This sequence change replaces proline, which is neutral and non-polar, with arginine, which is basic and polar, at codon 71 of the DVL1 protein (p.Pro71Arg). This variant is not present in population databases (gnomAD no frequency). This variant has not been reported in the literature in individuals affected with DVL1-related conditions. ClinVar contains an entry for this variant (Variation ID: 1501830). Advanced modeling of protein sequence and biophysical properties (such as structural, functional, and spatial information, amino acid conservation, physicochemical variation, residue mobility, and thermodynamic stability) has been performed at Invitae for this missense variant, however the output from this modeling did not meet the statistical confidence thresholds required to predict the impact of this variant on DVL1 protein function. In summary, the available evidence is currently insufficient to determine the role of this variant in disease. Therefore, it has been classified as a Variant of Uncertain Significance.

NM_001330311.2(DVL1):c.212C>G (p.Pro71Arg)

Gene: DVL1 (dishevelled segment polarity protein 1; minus strand). Cytogenetic location: 1p36.33.
Variant type: single nucleotide variant.
Coding change: c.212C>G on transcript NM_001330311.2 (MANE Select); coding-DNA position 212, C replaced by G.
Protein change: p.Pro71Arg; replaces proline 71 with arginine.
Molecular consequence: missense variant.
Genome position (GRCh38, 1-based): chr1:1,342,717, G>C on the plus strand (C>G on the coding strand, the complement: DVL1 is on the minus strand). VCF-style: chr1-1342717-G-C. GRCh37 (hg19) VCF-style: chr1-1278097-G-C.
Other names: c.212C>G, p.Pro71Arg (NM_004421.3); short protein forms P71R.
Identifiers: ClinVar variation 1501830 (VCV001501830.8), dbSNP rs1643867839, ClinGen allele CA337876640.